The following is an entry in ClinVar:

NM_001429.4(EP300):c.73G>A (p.Ala25Thr)

Genes: EP300 (EP300 lysine acetyltransferase; plus strand), LOC130067530 (ATAC-STARR-seq lymphoblastoid active region 19106; plus strand). Cytogenetic location: 22q13.2.
Variant type: single nucleotide variant.
Coding change: c.73G>A on transcript NM_001429.4 (MANE Select); coding-DNA position 73, G replaced by A.
Protein change: p.Ala25Thr; replaces alanine 25 with threonine.
Molecular consequence: missense variant.
Genome position (GRCh38, 1-based): chr22:41,093,077, G>A. VCF-style: chr22-41093077-G-A. GRCh37 (hg19) VCF-style: chr22-41489081-G-A.
Other names: c.73G>A, p.Ala25Thr (NM_001362843.2); short protein forms A25T.
Identifiers: ClinVar variation 4987283 (VCV004987283.1).

ClinVar aggregate classification (germline): Uncertain significance (1 of 4 stars; one submission).

Conditions:
EP300-related disorder. Also called: EP300-related condition; EP300-related disorders.

Submission:

PreventionGenetics, part of Exact Sciences
Classification: Uncertain significance for EP300-related condition. Last evaluated: 2026-07-30. Review status: criteria provided, single submitter. Criteria: ACMG Guidelines, 2015. Collection method: clinical testing. Allele origin: germline.
Comment: The EP300 c.73G>A variant is predicted to result in the amino acid substitution p.Ala25Thr. To our knowledge, this variant has not been reported in the literature or in a large population database, indicating this variant is rare. At this time, the clinical significance of this variant is uncertain due to the absence of conclusive functional and genetic evidence.